The following is an entry in ClinVar:

ClinVar aggregate classification (germline): Likely pathogenic (1 of 4 stars; one submission).

Conditions:
Hereditary hemochromatosis (HFE). Identifiers: MedGen C0392514, MONDO:0006507. Disease mechanism: loss of function.

Allele frequency attached by ClinVar (database versions not stated): gnomAD exomes below 0.00001.
gnomAD v4.1: 1 of 1,613,240 alleles (0.000062%); highest among the groups gnomAD compares: Non-Finnish European, 0.000085%; no homozygotes.

Submission:

Labcorp Genetics (formerly Invitae), Labcorp
Classification: Likely pathogenic for Hereditary hemochromatosis. Last evaluated: 2021-08-26. Review status: criteria provided, single submitter. Criteria: Invitae Variant Classification Sherloc (09022015). Collection method: clinical testing. Allele origin: germline.
Comment: This sequence change affects a donor splice site in intron 6 of the TFR2 gene. It is expected to disrupt RNA splicing. Variants that disrupt the donor or acceptor splice site typically lead to a loss of protein function (PMID: 16199547), and loss-of-function variants in TFR2 are known to be pathogenic (PMID: 23600741, 26029709). This variant is not present in population databases (ExAC no frequency). This variant has not been reported in the literature in individuals affected with TFR2-related conditions. Algorithms developed to predict the effect of sequence changes on RNA splicing suggest that this variant may disrupt the consensus splice site. In summary, the currently available evidence indicates that the variant is pathogenic, but additional data are needed to prove that conclusively. Therefore, this variant has been classified as Likely Pathogenic.

Literature cited by the submitters: PubMed 16199547; PubMed 23600741; PubMed 26029709.

NM_003227.4(TFR2):c.849+2T>C

Gene: TFR2 (transferrin receptor 2; minus strand). Cytogenetic location: 7q22.1.
Variant type: single nucleotide variant.
Coding change: c.849+2T>C on transcript NM_003227.4 (MANE Select); the canonical splice donor site of the intron after coding-DNA position 849, T replaced by C.
Molecular consequence: splice donor variant.
Genome position (GRCh38, 1-based): chr7:100,632,999, A>G on the plus strand (T>C on the coding strand, the complement: TFR2 is on the minus strand). VCF-style: chr7-100632999-A-G. GRCh37 (hg19) VCF-style: chr7-100230622-A-G.
Other names: c.336+2T>C (NM_001206855.3).
Identifiers: ClinVar variation 1472150 (VCV001472150.6), dbSNP rs2131320006, ClinGen allele CA368533464.